The following is an entry in ClinVar:

ClinVar aggregate classification (germline): Likely benign. Review status: criteria provided, multiple submitters, no conflicts (2 of 4 stars). 2 submissions from 2 submitters: Likely benign (2). Last evaluated 2025-04-02.

Conditions:
Inborn genetic diseases. Identifiers: MedGen C0950123, MeSH D030342.

Allele frequency attached by ClinVar (database versions not stated): gnomAD exomes 0.00002; TOPMed 0.00002; gnomAD 0.00008; ExAC 0.00010; 1000 Genomes Project 0.00040; 1000 Genomes Project 30x 0.00047.
gnomAD v4.1: 46 of 1,546,212 alleles (0.003%); highest among the groups gnomAD compares: East Asian, 0.039%; 1 homozygote.

Submissions (2):

Ambry Genetics
Classification: Likely benign for Inborn genetic diseases. Last evaluated: 2025-04-02. Review status: criteria provided, single submitter. Criteria: Ambry Variant Classification Scheme 2023. Collection method: clinical testing. Allele origin: germline.

CeGaT Center for Human Genetics Tuebingen
Classification: Likely benign. Last evaluated: 2023-01-01. Review status: criteria provided, single submitter. Criteria: CeGaT Center For Human Genetics Tuebingen Variant Classification Criteria Version 2. Collection method: clinical testing. Allele origin: germline. Affected: yes. Observed: 1 variant allele.
Comment: LAMA5: BP4

NM_005560.6(LAMA5):c.7538G>A (p.Arg2513His)

Gene: LAMA5 (laminin subunit alpha 5; minus strand). Cytogenetic location: 20q13.33.
Variant type: single nucleotide variant.
Coding change: c.7538G>A on transcript NM_005560.6 (MANE Select); coding-DNA position 7538, G replaced by A.
Protein change: p.Arg2513His; replaces arginine 2513 with histidine.
Molecular consequence: missense variant.
Genome position (GRCh38, 1-based): chr20:62,316,997, C>T on the plus strand (G>A on the coding strand, the complement: LAMA5 is on the minus strand). VCF-style: chr20-62316997-C-T. GRCh37 (hg19) VCF-style: chr20-60892053-C-T.
Other names: short protein forms R2513H.
Identifiers: ClinVar variation 2336317 (VCV002336317.27), dbSNP rs199816369, ClinGen allele CA9941170.